The following is an entry in ClinVar:

ClinVar aggregate classification (germline): Pathogenic (1 of 4 stars; one submission).

Conditions:
Neurofibromatosis, type 1 (NF1). Also called: NEUROFIBROMATOSIS, TYPE I, SOMATIC; VON RECKLINGHAUSEN DISEASE; Neurofibromatosis, type I; Peripheral type neurofibromatosis. Identifiers: Orphanet 636, MedGen C0027831, MONDO:0018975, OMIM 162200. Disease mechanism: loss of function.

Submission:

Labcorp Genetics (formerly Invitae), Labcorp
Classification: Pathogenic for Neurofibromatosis, type 1. Last evaluated: 2023-07-14. Review status: criteria provided, single submitter. Criteria: Invitae Variant Classification Sherloc (09022015). Collection method: clinical testing. Allele origin: germline.
Comment: For these reasons, this variant has been classified as Pathogenic. This variant disrupts a region of the NF1 protein in which other variant(s) (p.Cys709Arg) have been determined to be pathogenic (PMID: 30530636; Invitae). This suggests that this is a clinically significant region of the protein, and that variants that disrupt it are likely to be disease-causing. ClinVar contains an entry for this variant (Variation ID: 1358636). This variant has not been reported in the literature in individuals affected with NF1-related conditions. This variant is not present in population databases (gnomAD no frequency). This variant, c.2123_2128del, results in the deletion of 2 amino acid(s) of the NF1 protein (p.Ser708_Cys709del), but otherwise preserves the integrity of the reading frame.

Literature cited by the submitters: PubMed 30530636.

NM_001042492.3(NF1):c.2123_2128del (p.Ser708_Cys709del)

Gene: NF1 (neurofibromin 1; plus strand). Cytogenetic location: 17q11.2.
Variant type: Deletion.
Coding change: c.2123_2128del on transcript NM_001042492.3 (MANE Select); coding-DNA positions 2123 to 2128, 6 bases deleted (CCTGTT; older notation c.2123_2128delCCTGTT).
Protein change: p.Ser708_Cys709del.
Molecular consequence: inframe deletion. On other transcripts: inframe indel (1).
Genome position (GRCh38, 1-based): chr17:31,226,556-31,226,561, CCTGTT deleted; deleting any 6 consecutive bases within chr17:31,226,555-31,226,561 gives the same sequence; the c. name uses the placement nearest the transcript's 3' end. VCF-style (leftmost placement, unchanged base first): chr17-31226554-GTCCTGT-G. GRCh37 (hg19) VCF-style: chr17-29553572-GTCCTGT-G.
Other names: c.2123_2128delCCTGTT, p.Ser708_Cys709del (NM_000267.4).
Identifiers: ClinVar variation 1358636 (VCV001358636.8), dbSNP rs2151425842, ClinGen allele CA2573153255.
Genomic context (GRCh38, chr17:31,226,554, plus strand): 5'-AGAAGTGGCCCTGTACATGTTTCTGTGGAACCCTGACACTGAAGCTGTTCTGGTTGCCAT[GTCCTGT>G]TTCCGCCACCTCTGTGAGGAAGCAGATATCCGGTGTGGGGTGGATGAAGTGTCAGTGCAT-3'